The following is an entry in ClinVar:

ClinVar aggregate classification (germline): Pathogenic/Likely pathogenic. Review status: criteria provided, multiple submitters, no conflicts (2 of 4 stars). 2 submissions from 2 submitters: Pathogenic (1); Likely pathogenic (1). Last evaluated 2026-01-02.

Conditions:
Hurler syndrome. Also called: MUCOPOLYSACCHARIDOSIS TYPE IH; Severe MPS I (Hurler Syndrome); Gargoylism, Hurler Syndrome. Identifiers: Orphanet 93473, MedGen C0086795, MONDO:0011758, OMIM 607014.
Mucopolysaccharidosis type 1. Also called: IDUA deficiency; MPS I; Mucopolysaccharidosis Type I. Identifiers: Orphanet 579, MedGen C0023786, MONDO:0001586.

Submissions (2):

Foundation for Research in Genetics and Endocrinology, FRIGE's Institute of Human Genetics
Classification: Likely pathogenic for Hurler syndrome. Last evaluated: 2026-01-02. Review status: criteria provided, single submitter. Criteria: ACMG Guidelines, 2015. Collection method: clinical testing. Allele origin: germline. Inheritance: Autosomal recessive inheritance. Affected: yes. Observed: 1 compound heterozygote.
Comment: A heterozygous missense variant in exon 14 of the IDUA gene that results in the amino acid substitution of Proline for Arginine at codon 621 was detected. The observed variant c.1862G>C has not been reported in the 1000 genomes and gnomAD databases. The in silico prediction of the variant is deleterious by MutationTaster2 and DANN. In summary, the variant meets our criteria to be classified as likely pathogenic.

Labcorp Genetics (formerly Invitae), Labcorp
Classification: Pathogenic for Mucopolysaccharidosis type 1. Last evaluated: 2025-03-31. Review status: criteria provided, single submitter. Criteria: Invitae Variant Classification Sherloc (09022015). Collection method: clinical testing. Allele origin: germline.
Comment: This sequence change replaces arginine, which is basic and polar, with proline, which is neutral and non-polar, at codon 621 of the IDUA protein (p.Arg621Pro). This variant is not present in population databases (gnomAD no frequency). This missense change has been observed in individual(s) with mucopolysaccharidosis type I (PMID: 34833038). ClinVar contains an entry for this variant (Variation ID: 1038439). Invitae Evidence Modeling of protein sequence and biophysical properties (such as structural, functional, and spatial information, amino acid conservation, physicochemical variation, residue mobility, and thermodynamic stability) indicates that this missense variant is expected to disrupt IDUA protein function with a positive predictive value of 95%. This variant disrupts the p.Arg621 amino acid residue in IDUA. Other variant(s) that disrupt this residue have been observed in individuals with IDUA-related conditions (PMID: 33301762), which suggests that this may be a clinically significant amino acid residue. For these reasons, this variant has been classified as Pathogenic.

Literature cited by the submitters: PubMed 34833038 (cited by Labcorp Genetics (formerly Invitae), Labcorp); PubMed 33301762 (cited by Labcorp Genetics (formerly Invitae), Labcorp).

NM_000203.5(IDUA):c.1862G>C (p.Arg621Pro)

Gene: IDUA (alpha-L-iduronidase; plus strand). Cytogenetic location: 4p16.3.
Variant type: single nucleotide variant.
Coding change: c.1862G>C on transcript NM_000203.5 (MANE Select); coding-DNA position 1862, G replaced by C.
Protein change: p.Arg621Pro; replaces arginine 621 with proline.
Molecular consequence: missense variant. On other transcripts: non-coding transcript variant (1).
Genome position (GRCh38, 1-based): chr4:1,004,293, G>C. VCF-style: chr4-1004293-G-C. GRCh37 (hg19) VCF-style: chr4-998081-G-C.
Other names: p.Arg621Pro; c.1466G>C, p.Arg489Pro (NM_001363576.1); short protein forms R489P, R621P.
Identifiers: ClinVar variation 1038439 (VCV001038439.2), dbSNP rs762399936, ClinGen allele CA355965939.